The following is an entry in ClinVar:

NM_000051.4(ATM):c.185G>A (p.Arg62Lys)

Gene: ATM (ATM serine/threonine kinase; plus strand). Cytogenetic location: 11q22.3.
Variant type: single nucleotide variant.
Coding change: c.185G>A on transcript NM_000051.4 (MANE Select); coding-DNA position 185, G replaced by A.
Protein change: p.Arg62Lys; replaces arginine 62 with lysine.
Molecular consequence: missense variant.
Genome position (GRCh38, 1-based): chr11:108,227,888, G>A. VCF-style: chr11-108227888-G-A. GRCh37 (hg19) VCF-style: chr11-108098615-G-A.
Other names: c.185G>A, p.Arg62Lys (NM_001351834.2, NM_001351835.2, NM_001351836.2); short protein forms R62K.
Identifiers: ClinVar variation 1781480 (VCV001781480.3), dbSNP rs2135015146, ClinGen allele CA382520687.

ClinVar aggregate classification (germline): Uncertain significance (1 of 4 stars; one submission).

Conditions:
Hereditary cancer-predisposing syndrome. Also called: Neoplastic Syndromes, Hereditary; Tumor predisposition; Hereditary Cancer Syndrome; Hereditary neoplastic syndrome. Identifiers: Orphanet 140162, MedGen C0027672, MeSH D009386, MONDO:0015356.

Submission:

Ambry Genetics
Classification: Uncertain significance for Hereditary cancer-predisposing syndrome. Last evaluated: 2024-09-30. Review status: criteria provided, single submitter. Criteria: Ambry Variant Classification Scheme 2023. Collection method: clinical testing. Allele origin: germline.
Comment: The p.R62K variant (also known as c.185G>A), located in coding exon 2 of the ATM gene, results from a G to A substitution at nucleotide position 185. The amino acid change results in arginine to lysine at codon 62, an amino acid with highly similar properties. However, this change occurs in the last base pair of coding exon 2, which makes it likely to have some effect on normal mRNA splicing. RNA studies have demonstrated that this alteration does not result in abnormal splicing in the set of samples tested (Ambry internal data). This amino acid position is well conserved in available vertebrate species. In addition, this alteration is predicted to be tolerated by in silico analysis. Since supporting evidence is limited at this time, the clinical significance of this alteration remains unclear.